The following is an entry in ClinVar:

NM_001048174.2(MUTYH):c.685C>A (p.Leu229Ile)

Gene: MUTYH (mutY DNA glycosylase; minus strand). Cytogenetic location: 1p34.1.
Variant type: single nucleotide variant.
Coding change: c.685C>A on transcript NM_001048174.2 (MANE Select); coding-DNA position 685, C replaced by A.
Protein change: p.Leu229Ile; replaces leucine 229 with isoleucine.
Molecular consequence: missense variant. On other transcripts: non-coding transcript variant (7).
Genome position (GRCh38, 1-based): chr1:45,332,410, G>T on the plus strand (C>A on the coding strand, the complement: MUTYH is on the minus strand). VCF-style: chr1-45332410-G-T. GRCh37 (hg19) VCF-style: chr1-45798082-G-T.
Other names: c.685C>A, p.Leu229Ile (NM_001048171.2, NM_001407070.1, NM_001407072.1 and 6 more transcripts); c.688C>A, p.Leu230Ile (NM_001048172.2, NM_001407071.1, NM_001407078.1 and 1 more transcripts); c.340C>A, p.Leu114Ile (NM_001350651.2, NM_001350650.2, NM_001407082.1); c.718C>A, p.Leu240Ile (NM_001407069.1, NM_001407077.1, NM_001293191.2); c.601C>A, p.Leu201Ile (NM_001407075.1); c.409C>A, p.Leu137Ile (NM_001407091.1, NM_001293192.2, NM_001293196.2); c.760C>A, p.Leu254Ile (NM_012222.3); c.769C>A, p.Leu257Ile (NM_001128425.2); and 5 more; short protein forms L201I, L215I, L114I, L137I, L216I, L229I, L230I, L243I.
Identifiers: ClinVar variation 4113822 (VCV004113822.1).

ClinVar aggregate classification (germline): Uncertain significance (1 of 4 stars; one submission).

Conditions:
Hereditary cancer-predisposing syndrome. Also called: Hereditary neoplastic syndrome; Neoplastic Syndromes, Hereditary; Tumor predisposition; Hereditary Cancer Syndrome. Identifiers: Orphanet 140162, MedGen C0027672, MeSH D009386, MONDO:0015356.

Submission:

Ambry Genetics
Classification: Uncertain significance for Hereditary cancer-predisposing syndrome. Last evaluated: 2025-08-27. Review status: criteria provided, single submitter. Criteria: Ambry Variant Classification Scheme 2023. Collection method: clinical testing. Allele origin: germline.
Comment: The p.L257I variant (also known as c.769C>A), located in coding exon 9 of the MUTYH gene, results from a C to A substitution at nucleotide position 769. The leucine at codon 257 is replaced by isoleucine, an amino acid with highly similar properties. This amino acid position is conserved. In addition, this alteration is predicted to be tolerated by in silico analysis. Based on the available evidence, the clinical significance of this variant remains unclear.